The following is an entry in ClinVar:

NM_001348323.3(TRIP12):c.4688T>G (p.Leu1563Trp)

Gene: TRIP12 (thyroid hormone receptor interactor 12; minus strand). Cytogenetic location: 2q36.3.
Variant type: single nucleotide variant.
Coding change: c.4688T>G on transcript NM_001348323.3 (MANE Select); coding-DNA position 4688, T replaced by G.
Protein change: p.Leu1563Trp; replaces leucine 1563 with tryptophan.
Molecular consequence: missense variant.
Genome position (GRCh38, 1-based): chr2:229,789,618, A>C on the plus strand (T>G on the coding strand, the complement: TRIP12 is on the minus strand). VCF-style: chr2-229789618-A-C. GRCh37 (hg19) VCF-style: chr2-230654334-A-C.
Other names: c.4607T>G, p.Leu1536Trp (NM_001284214.2, NM_001348315.2); c.4562T>G, p.Leu1521Trp (NM_001284215.2, NM_001348316.2); c.3653T>G, p.Leu1218Trp (NM_001284216.2); c.4547T>G, p.Leu1516Trp (NM_001348317.1, NM_001348318.2); c.4673T>G, p.Leu1558Trp (NM_001348319.1, NM_001348320.2); c.4676T>G, p.Leu1559Trp (NM_001348321.1); c.4688T>G, p.Leu1563Trp (NM_001348322.1, NM_001348324.2, NM_001348325.2 and 2 more transcripts); c.4691T>G, p.Leu1564Trp (NM_001348328.1, NM_001348329.2, NM_001348330.2); and 4 more; short protein forms L1218W, L1488W, L1489W, L1516W, L1521W, L1529W, L1536W, L1537W.
Identifiers: ClinVar variation 5036985 (VCV005036985.1).
Genomic context (GRCh38, chr2:229,789,618, plus strand): 5'-AAATTTATCAATCACAGACCATGAAAACTTCATAAATAGGCAACATTACTCACATCATAC[A>C]AGTAATACCAGTATCGACTGATAGCATGTAAAACTCTTAAAAGAAGGATCACATCTAATG-3'
Protein context (NP_001335252.1, residues 1553-1573): LHAISRYWYY[Leu1563Trp]YDNAMCKEII

ClinVar aggregate classification (germline): Uncertain significance (1 of 4 stars; one submission).

gnomAD v4.1: 2 of 1,613,620 alleles (0.00012%); highest among the groups gnomAD compares: Non-Finnish European, 0.00017%; no homozygotes.

Submission:

GeneDx
Classification: Uncertain significance. Last evaluated: 2026-04-09. Review status: criteria provided, single submitter. Criteria: GeneDx Variant Classification Process June 2021. Collection method: clinical testing. Allele origin: germline.
Comment: Not observed at significant frequency in large population cohorts (gnomAD); In silico analysis supports that this missense variant has a deleterious effect on protein structure/function; In silico analysis supports a deleterious effect on splicing; Has not been previously published as pathogenic or benign to our knowledge